The following is an entry in ClinVar:

ClinVar aggregate classification (germline): Uncertain significance (1 of 4 stars; one submission).

Conditions:
Autosomal recessive early-onset Parkinson disease 23. Identifiers: Orphanet 2828, MedGen C4225186, MONDO:0014796, OMIM 616840.

gnomAD v4.1: 3 of 1,590,796 alleles (0.00019%); highest among the groups gnomAD compares: East Asian, 0.0045%; no homozygotes.

Submission:

Juno Genomics, Hangzhou Juno Genomics, Inc
Classification: Uncertain significance for Autosomal recessive early-onset Parkinson disease 23. Review status: criteria provided, single submitter. Criteria: ACMG Guidelines, 2015. Collection method: clinical testing. Allele origin: germline.
Comment: Absent from controls (or at extremely low frequency if recessive) in Genome Aggregation Database.

NM_020821.3(VPS13C):c.3909-36T>C

Gene: VPS13C (vacuolar protein sorting 13 homolog C; minus strand). Cytogenetic location: 15q22.2.
Variant type: single nucleotide variant.
Coding change: c.3909-36T>C on transcript NM_020821.3 (MANE Select); 36 bases into the intron before coding-DNA position 3909, T replaced by C.
Molecular consequence: intron variant.
Genome position (GRCh38, 1-based): chr15:61,959,631, A>G on the plus strand (T>C on the coding strand, the complement: VPS13C is on the minus strand). VCF-style: chr15-61959631-A-G. GRCh37 (hg19) VCF-style: chr15-62251830-A-G.
Other names: c.3780-36T>C (NM_017684.5, NM_018080.4); c.3909-36T>C (NM_001018088.3).
Identifiers: ClinVar variation 5005443 (VCV005005443.2).